The following is an entry in ClinVar:

NM_001077365.2(POMT1):c.1552_1569delinsTGACGTCCTGCTGACG (p.Leu518_Arg523delinsTer)

Gene: POMT1 (protein O-mannosyltransferase 1; plus strand). Cytogenetic location: 9q34.13.
Variant type: Indel.
Coding change: c.1552_1569delinsTGACGTCCTGCTGACG on transcript NM_001077365.2 (MANE Select); coding-DNA positions 1552 to 1569, CTCAGCTTCATGGCGAGA replaced by TGACGTCCTGCTGACG.
Protein change: p.Leu518_Arg523delinsTer.
Molecular consequence: nonsense. On other transcripts: non-coding transcript variant (10), intron variant (1).
Genome position (GRCh38, 1-based): chr9:131,519,454-131,519,471, CTCAGCTTCATGGCGAGA replaced by TGACGTCCTGCTGACG. GRCh37 (hg19): chr9:134,394,841-134,394,858.
Other names: c.1390_1407delinsTGACGTCCTGCTGACG, p.Leu464_Arg469delinsTer (NM_001077366.2, NM_001353194.2); c.1552_1569delinsTGACGTCCTGCTGACG, p.Leu518_Arg523delinsTer (NM_001136113.2); c.1201_1218delinsTGACGTCCTGCTGACG, p.Leu401_Arg406delinsTer (NM_001136114.2, NM_001353195.2, NM_001374691.1 and 2 more transcripts); c.1618_1635delinsTGACGTCCTGCTGACG, p.Leu540_Arg545delinsTer (NM_001353193.2, NM_007171.4); c.1462_1479delinsTGACGTCCTGCTGACG, p.Leu488_Arg493delinsTer (NM_001353196.2); c.1456_1473delinsTGACGTCCTGCTGACG, p.Leu486_Arg491delinsTer (NM_001353197.2, NM_001353198.2); c.1267_1284delinsTGACGTCCTGCTGACG, p.Leu423_Arg428delinsTer (NM_001353199.2); c.1096_1113delinsTGACGTCCTGCTGACG, p.Leu366_Arg371delinsTer (NM_001353200.2); and 3 more.
Identifiers: ClinVar variation 547054 (VCV000547054.4), dbSNP rs1564381395, ClinGen allele CA913189587.

ClinVar aggregate classification (germline): Likely pathogenic. Review status: criteria provided, multiple submitters, no conflicts (2 of 4 stars). 2 submissions from 2 submitters: Likely pathogenic (2). Last evaluated 2023-02-09.

Conditions:
Autosomal recessive limb-girdle muscular dystrophy type 2K. Also called: MUSCULAR DYSTROPHY-DYSTROGLYCANOPATHY (LIMB-GIRDLE), TYPE C, 1; MUSCULAR DYSTROPHY, LIMB-GIRDLE, TYPE 2K. Identifiers: Orphanet 86812, MedGen C1836373, MONDO:0012248, OMIM 609308.
Muscular dystrophy-dystroglycanopathy (congenital with impaired intellectual development), type B, 1. Also called: Muscular dystrophy-dystroglycanopathy (congenital with intellectual disability), type B1; MUSCULAR DYSTROPHY, CONGENITAL, POMT1-RELATED. Identifiers: MedGen C5436962, MONDO:0013159, OMIM 613155.
Muscular dystrophy-dystroglycanopathy (congenital with brain and eye anomalies), type A1 (MDDGA1). Also called: Muscular dystrophy-dystroglycanopathy (congenital with brain and eye anomalies), type A, 1; WALKER-WARBURG SYNDROME OR MUSCLE-EYE-BRAIN DISEASE, POMT1-RELATED; Hydrocephalus, agyria and retinal dysplasia; Hard +/- E syndrome; Warburg syndrome; Chemke syndrome. Identifiers: Orphanet 588, Orphanet 899, MedGen C4284790, MONDO:0009364, OMIM 236670.

Submissions (2):

New York Genome Center
Classification: Likely pathogenic for Muscular dystrophy-dystroglycanopathy (congenital with brain and eye anomalies), type A1; Muscular dystrophy-dystroglycanopathy (congenital with impaired intellectual development), type B, 1; Autosomal recessive limb-girdle muscular dystrophy type 2K. Last evaluated: 2023-02-09. Review status: criteria provided, single submitter. Criteria: NYGC Assertion Criteria 2020. Collection method: clinical testing. Allele origin: inherited. Affected: yes. Observed: 1 compound heterozygote. Study: PrenatalSEQ.
Comment: The inherited c.1552_1569delinsTGACGTCCTGCTGACG, p.(Leu518Ter) variant (annotation based on MANE Select transcript NM_001077365.2) identified in the POMT1 gene is the deletion of 18 nucleotides and the insertion of 16 nucleotides (TGACGTCCTGCTGACG) at amino acids 518-523/726 (exon 16/20). This variant is predicted to lead to a nonsense codon and premature termination of the protein at amino acid 518/726 (exon 16/20), and is expected to lead to the loss of protein function via nonsense mediated decay. This variant is absent from population databases (gnomADv2.1.1, gnomADv3.1.2, BRAVO-TOPMed, All of Us) suggesting it is not a common benign variant in the populations represented in those databases. The c.1552_1569delinsTGACGTCCTGCTGACG, p.(Leu518Ter) variant is reported in ClinVar as Likely Pathogenic (VarID:547054; 1 star, single submission) and to our current knowledge has not been reported in affected individuals in the literature. Given its predicted deleterious nature and absence in population databases, the inherited c.1552_1569delinsTGACGTCCTGCTGACG, p.(Leu518Ter) variant identified in the POMT1 gene is reported as Likely Pathogenic.

CeGaT Center for Human Genetics Tuebingen
Classification: Likely pathogenic. Last evaluated: 2018-02-28. Review status: criteria provided, single submitter. Criteria: Praxis fuer Humangenetik Tuebingen - Variant Classification Criteria. Collection method: clinical testing. Allele origin: germline. Affected: yes. Observed: 1 variant allele.